The following is an entry in ClinVar:

NM_001023.4(RPS20):c.4-26_4-19delinsCTTTC

Gene: RPS20 (ribosomal protein S20; minus strand). Cytogenetic location: 8q12.1.
Variant type: Indel.
Coding change: c.4-26_4-19delinsCTTTC on transcript NM_001023.4 (MANE Select); 26 bases into the intron before coding-DNA position 4 through 19 bases into the intron before coding-DNA position 4, GTTCTTTT replaced by CTTTC.
Molecular consequence: intron variant.
Genome position (GRCh38, 1-based): chr8:56,074,178-56,074,185, AAAAGAAC replaced by GAAAG on the plus strand (GTTCTTTT replaced by CTTTC on the coding strand, the reverse complement: RPS20 is on the minus strand). VCF-style: chr8-56074178-AAAAGAAC-GAAAG. GRCh37 (hg19) VCF-style: chr8-56986737-AAAAGAAC-GAAAG.
Other names: c.4-26_4-19delinsCTTTC (NM_001146227.3).
Identifiers: ClinVar variation 5042439 (VCV005042439.1).

ClinVar aggregate classification (germline): Likely benign (1 of 4 stars; one submission).

Conditions:
Familial colorectal cancer type X. Identifiers: Orphanet 440437, MedGen C3896578, MONDO:0018604.

Submission:

Myriad Genetics, Inc.
Classification: Likely benign for Familial colorectal cancer type X. Last evaluated: 2026-07-31. Review status: criteria provided, single submitter. Criteria: Myriad Autosomal Dominant, Autosomal Recessive and X-Linked Classification Criteria (2023). Collection method: clinical testing. Allele origin: unknown.
Comment: This variant is considered likely benign. This variant is intronic and is not expected to impact mRNA splicing.